The following is an entry in ClinVar:

NM_004972.4(JAK2):c.2726A>G (p.Asn909Ser)

Genes: INSL6 (insulin like 6; minus strand), JAK2 (Janus kinase 2; plus strand). Cytogenetic location: 9p24.1.
Variant type: single nucleotide variant.
Coding change: c.2726A>G on transcript NM_004972.4 (MANE Select); coding-DNA position 2726, A replaced by G.
Protein change: p.Asn909Ser; replaces asparagine 909 with serine.
Molecular consequence: missense variant. On other transcripts: non-coding transcript variant (2).
Genome position (GRCh38, 1-based): chr9:5,089,828, A>G. VCF-style: chr9-5089828-A-G. GRCh37 (hg19) VCF-style: chr9-5089828-A-G.
Other names: c.1511A>G, p.Asn504Ser (NM_001322198.2, NM_001322199.2); c.2279A>G, p.Asn760Ser (NM_001322204.2); c.2726A>G, p.Asn909Ser (NM_001322196.2, NM_001322194.2, NM_001322195.2); short protein forms N504S, N760S, N909S.
Identifiers: ClinVar variation 3647100 (VCV003647100.2).
Genomic context (GRCh38, chr9:5,089,828, plus strand): 5'-AAGAGCACCTAAGAGACTTTGAAAGGGAAATTGAAATCCTGAAATCCCTACAGCATGACA[A>G]CATTGTAAAGTACAAGGGAGTGTGCTACAGTGCTGGTAAGCTGCCCATTGAAACCTATTT-3'
Protein context (NP_004963.1, residues 899-919): IEILKSLQHD[Asn909Ser]IVKYKGVCYS

ClinVar aggregate classification (germline): Uncertain significance (1 of 4 stars; one submission).

Submission:

Labcorp Genetics (formerly Invitae), Labcorp
Classification: Uncertain significance. Last evaluated: 2024-06-28. Review status: criteria provided, single submitter. Criteria: Invitae Variant Classification Sherloc (09022015). Collection method: clinical testing. Allele origin: germline.
Comment: This sequence change replaces asparagine, which is neutral and polar, with serine, which is neutral and polar, at codon 909 of the JAK2 protein (p.Asn909Ser). This variant is not present in population databases (gnomAD no frequency). This variant has not been reported in the literature in individuals affected with JAK2-related conditions. Advanced modeling of protein sequence and biophysical properties (such as structural, functional, and spatial information, amino acid conservation, physicochemical variation, residue mobility, and thermodynamic stability) has been performed at Invitae for this missense variant, however the output from this modeling did not meet the statistical confidence thresholds required to predict the impact of this variant on JAK2 protein function. In summary, the available evidence is currently insufficient to determine the role of this variant in disease. Therefore, it has been classified as a Variant of Uncertain Significance.